The following is an entry in ClinVar:

NM_001298.3(CNGA3):c.513G>A (p.Trp171Ter)

Gene: CNGA3 (cyclic nucleotide gated channel subunit alpha 3; plus strand). Cytogenetic location: 2q11.2.
Variant type: single nucleotide variant.
Coding change: c.513G>A on transcript NM_001298.3 (MANE Select); coding-DNA position 513, G replaced by A.
Protein change: p.Trp171Ter; replaces tryptophan 171 with a stop codon.
Molecular consequence: nonsense.
Genome position (GRCh38, 1-based): chr2:98,389,721, G>A. VCF-style: chr2-98389721-G-A. GRCh37 (hg19) VCF-style: chr2-99006184-G-A.
Other names: c.459G>A, p.Trp153Ter (NM_001079878.2); short protein forms W171*, W153*.
Identifiers: ClinVar variation 488683 (VCV000488683.13), dbSNP rs762773298, ClinGen allele CA347831544.
Genomic context (GRCh38, chr2:98,389,721, plus strand): 5'-GAAGACGAAAAAGAAGGATGCGATCGTGGTGGACCCGTCCAGCAACCTGTACTACCGCTG[G>A]CTGACCGCCATCGCCCTGCCTGTCTTCTATAACTGGTATCTGCTTATTTGCAGGTAAGCG-3'

ClinVar aggregate classification (germline): Pathogenic/Likely pathogenic. Review status: criteria provided, multiple submitters, no conflicts (2 of 4 stars). 6 submissions from 6 submitters: Pathogenic (2); Likely pathogenic (1). 3 of the submissions do not count toward it. Last evaluated 2025-09-19.

Conditions:
Achromatopsia 2 (ACHM2). Also called: ROD MONOCHROMACY 2; ROD MONOCHROMATISM 2; COLORBLINDNESS, TOTAL. Identifiers: Orphanet 49382, MedGen C1857618, MONDO:0009003, OMIM 216900.
CNGA3-related disorders.

Allele frequency attached by ClinVar (database versions not stated): gnomAD 0.00001; TOPMed 0.00001.
gnomAD v4.1: 31 of 1,613,598 alleles (0.0019%); highest among the groups gnomAD compares: Non-Finnish European, 0.0026%; no homozygotes.

Submissions (6):

GeneDx
Classification: Pathogenic. Last evaluated: 2025-09-19. Review status: criteria provided, single submitter. Criteria: GeneDx Variant Classification Process June 2021. Collection method: clinical testing. Allele origin: germline. Affected: yes.
Comment: Nonsense variant predicted to result in protein truncation or nonsense mediated decay in a gene for which loss of function is a known mechanism of disease; Not observed at significant frequency in large population cohorts (gnomAD); This variant is associated with the following publications: (PMID: 38219857, 35332618, 31964843)

Labcorp Genetics (formerly Invitae), Labcorp
Classification: Pathogenic. Last evaluated: 2024-04-03. Review status: criteria provided, single submitter. Criteria: Invitae Variant Classification Sherloc (09022015). Collection method: clinical testing. Allele origin: germline.
Comment: This sequence change creates a premature translational stop signal (p.Trp171*) in the CNGA3 gene. It is expected to result in an absent or disrupted protein product. Loss-of-function variants in CNGA3 are known to be pathogenic (PMID: 14757870, 24903488, 25637600). This variant is present in population databases (no rsID available, gnomAD 0.002%). This premature translational stop signal has been observed in individual(s) with cone-rod dystrophy (PMID: 24903488). ClinVar contains an entry for this variant (Variation ID: 488683). For these reasons, this variant has been classified as Pathogenic.

Blueprint Genetics
Classification: Likely pathogenic for CNGA3-related disorders. Last evaluated: 2021-12-23. Review status: criteria provided, single submitter. Criteria: ACMG Guidelines, 2015. Collection method: clinical testing. Allele origin: germline. Affected: yes. Observed: 3 variant alleles.

Molecular Genetics Laboratory, Institute for Ophthalmic Research
Classification: Pathogenic for Achromatopsia 2. Last evaluated: 2021-04-15. Review status: no assertion criteria provided. Collection method: research. Allele origin: germline. Affected: yes. Not counted in ClinVar's aggregate classification.

Clinical Genetics DNA and cytogenetics Diagnostics Lab, Erasmus MC, Erasmus Medical Center
Classification: Pathogenic. Review status: no assertion criteria provided. Collection method: clinical testing. Allele origin: germline. Affected: yes. Study: VKGL Data-share Consensus. Not counted in ClinVar's aggregate classification.

Joint Genome Diagnostic Labs from Nijmegen and Maastricht, Radboudumc and MUMC+
Classification: Pathogenic. Review status: no assertion criteria provided. Collection method: clinical testing. Allele origin: germline. Affected: yes. Study: VKGL Data-share Consensus. Not counted in ClinVar's aggregate classification.

Literature cited by the submitters: PubMed 14757870 (cited by Labcorp Genetics (formerly Invitae), Labcorp); PubMed 24903488 (cited by Labcorp Genetics (formerly Invitae), Labcorp); PubMed 25637600 (cited by Labcorp Genetics (formerly Invitae), Labcorp).